The following is an entry in ClinVar:

NM_000238.4(KCNH2):c.1130T>C (p.Val377Ala)

Gene: KCNH2 (potassium voltage-gated channel subfamily H member 2; minus strand). Cytogenetic location: 7q36.1.
Variant type: single nucleotide variant.
Coding change: c.1130T>C on transcript NM_000238.4 (MANE Select); coding-DNA position 1130, T replaced by C.
Protein change: p.Val377Ala; replaces valine 377 with alanine.
Molecular consequence: missense variant. On other transcripts: non-coding transcript variant (2).
Genome position (GRCh38, 1-based): chr7:150,952,852, A>G on the plus strand (T>C on the coding strand, the complement: KCNH2 is on the minus strand). VCF-style: chr7-150952852-A-G. GRCh37 (hg19) VCF-style: chr7-150649940-A-G.
Other names: c.110T>C, p.Val37Ala (NM_001204798.2, NM_172057.3); c.842T>C, p.Val281Ala (NM_001406753.1, NM_001406756.1); c.953T>C, p.Val318Ala (NM_001406755.1); c.830T>C, p.Val277Ala (NM_001406757.1); c.1130T>C, p.Val377Ala (NM_172056.3); short protein forms V277A, V281A, V318A, V377A, V37A.
Identifiers: ClinVar variation 4527047 (VCV004527047.1).

ClinVar aggregate classification (germline): Uncertain significance (1 of 4 stars; one submission).

Submission:

GeneDx
Classification: Uncertain significance. Last evaluated: 2025-05-05. Review status: criteria provided, single submitter. Criteria: GeneDx Variant Classification Process June 2021. Collection method: clinical testing. Allele origin: germline. Affected: yes.
Comment: Not observed at significant frequency in large population cohorts (gnomAD); In silico analysis supports that this missense variant has a deleterious effect on protein structure/function; Has not been previously published as pathogenic or benign to our knowledge